The following is an entry in ClinVar:

ClinVar aggregate classification (germline): Uncertain significance (1 of 4 stars; one submission).

Conditions:
Congenital lactic acidosis, Saguenay-Lac-Saint-Jean type (MC4DN5). Also called: CYTOCHROME c OXIDASE DEFICIENCY, FRENCH CANADIAN TYPE; COX DEFICIENCY, FRENCH CANADIAN TYPE; MITOCHONDRIAL COMPLEX IV DEFICIENCY, NUCLEAR TYPE 5. Identifiers: Orphanet 70472, MedGen C1857355, MONDO:0009069, OMIM 220111.

gnomAD v4.1: 373 of 1,260,252 alleles (0.03%); highest among the groups gnomAD compares: Non-Finnish European, 0.037%; no homozygotes.

Submission:

Diagnostics Services (NGS), CSIR - Centre For Cellular And Molecular Biology
Classification: Uncertain significance for Congenital lactic acidosis, Saguenay-Lac-Saint-Jean type. Last evaluated: 2026-05-07. Review status: criteria provided, single submitter. Criteria: ACMG Guidelines, 2015. Collection method: clinical testing. Allele origin: germline. Affected: yes. Observed: 1 variant allele, 1 heterozygote.
Comment: The c.1155+108A>G variant is not present in EVS, Indian Exome Database or our internal database. The variant is present in 1000 Genomes and gnomAD, at low frequencies. This variant has neither been published in the literature for LRPPRC-related conditions nor reported to clinical databases like HGMD, ClinVar or OMIM in any affected individuals. In-silico Human Splicing Finder Pro (HSF-Pro) program suggests that this variant causes potential alteration of splicing by creating activation of a cryptic acceptor site however this prediction was not confirmed by published functional/translational studies.

NM_133259.4(LRPPRC):c.1155+108A>G

Gene: LRPPRC (leucine rich pentatricopeptide repeat containing; minus strand). Cytogenetic location: 2p21.
Variant type: single nucleotide variant.
Coding change: c.1155+108A>G on transcript NM_133259.4 (MANE Select); 108 bases into the intron after coding-DNA position 1155, A replaced by G.
Molecular consequence: intron variant.
Genome position (GRCh38, 1-based): chr2:43,974,042, T>C on the plus strand (A>G on the coding strand, the complement: LRPPRC is on the minus strand). VCF-style: chr2-43974042-T-C. GRCh37 (hg19) VCF-style: chr2-44201181-T-C.
Identifiers: ClinVar variation 4852784 (VCV004852784.1).
Genomic context (GRCh38, chr2:43,974,042, plus strand): 5'-AGATGAGCATTTTAAACCCCGCATCCTCTTTCTACCCAAAAATCTTGCAACACAAGAACA[T>C]TGTTATGATGTTTACAACTGGTCTAATCTTATAAATGTTCCTATACTTTAAAGAATCTTA-3'